The following is an entry in ClinVar:

ClinVar aggregate classification (germline): Conflicting classifications of pathogenicity. Review status: criteria provided, conflicting classifications (1 of 4 stars). 6 submissions from 6 submitters: Uncertain significance (2); Likely benign (4). Last evaluated 2026-01-01.

Conditions:
SYN1-related disorder. Also called: SYN1-related condition; SYN1-Related Disorders.
Inborn genetic diseases. Identifiers: MedGen C0950123, MeSH D030342.
Epilepsy, X-linked 1, with variable learning disabilities and behavior disorders. Also called: X-linked epilepsy-learning disabilities-behavior disorders syndrome. Identifiers: Orphanet 85294, MedGen C5774177, MONDO:0010339, OMIM 300491.

Allele frequency attached by ClinVar (database versions not stated): gnomAD exomes 0.00005 and 0.00013; ESP Exome Variant Server 0.00020; ExAC 0.00032; gnomAD 0.00054 and 0.00058; 1000 Genomes Project 30x 0.00083; TOPMed 0.00056; 1000 Genomes Project 0.00079.
gnomAD v4.1: 116 of 1,186,149 alleles (0.0098%); highest among the groups gnomAD compares: African/African-American, 0.19%; no homozygotes.

Submissions (6):

Labcorp Genetics (formerly Invitae), Labcorp
Classification: Likely benign for Epilepsy, X-linked 1, with variable learning disabilities and behavior disorders. Last evaluated: 2026-01-01. Review status: criteria provided, single submitter. Criteria: Invitae Variant Classification Sherloc (09022015). Collection method: clinical testing. Allele origin: germline.

PreventionGenetics, part of Exact Sciences
Classification: Likely benign for SYN1-related condition. Last evaluated: 2024-12-12. Review status: criteria provided, single submitter. Criteria: ACMG Guidelines, 2015. Collection method: clinical testing. Allele origin: germline.
Comment: This variant is classified as likely benign based on ACMG/AMP sequence variant interpretation guidelines (Richards et al. 2015 PMID: 25741868, with internal and published modifications).

Blueprint Genetics
Classification: Likely benign. Last evaluated: 2023-11-20. Review status: criteria provided, single submitter. Criteria: ACMG Guidelines, 2015. Collection method: clinical testing. Allele origin: germline.

Ambry Genetics
Classification: Likely benign for Inborn genetic diseases. Last evaluated: 2023-04-11. Review status: criteria provided, single submitter. Criteria: Ambry Variant Classification Scheme 2023. Collection method: clinical testing. Allele origin: germline.

Eurofins Ntd Llc (ga)
Classification: Uncertain significance. Last evaluated: 2015-01-16. Review status: criteria provided, single submitter. Criteria: EGL Classification Definitions 2015. Collection method: clinical testing. Allele origin: germline. Observed: 1 variant allele, 1 hemizygote.

GeneDx
Classification: Uncertain significance. Last evaluated: 2013-05-13. Review status: criteria provided, single submitter. Criteria: GeneDx Variant Classification (06012015). Collection method: clinical testing. Allele origin: germline. Affected: yes.
Comment: p.Leu442Pro (CTG>CCG): c.1325 T>C in exon 11 of the SYN1 gene (NM_133499.2) The Leu442Pro missense change has not been published as a mutation, nor has it been reported as a benign polymorphism to our knowledge. Although both Leucine and Proline are uncharged, non-polar amino acid residues, the gain of a Proline may affect the secondary structure of the synapsin-1 protein. Leu442Pro alters a position that is not well conserved in the protein and to our knowledge, other missense mutations have not been reported in this region of the protein. Several in-silico algorithms predict Leu442Pro may be benign, while another model suggests it may be damaging to the structure/function of the protein. Therefore, based on the currently available information, it is unclear whether Leu442Pro is a disease-causing mutation or a rare benign variant. The variant is found in EPILEPSY panel(s).

NM_006950.3(SYN1):c.1325T>C (p.Leu442Pro)

Gene: SYN1 (synapsin I; minus strand). Cytogenetic location: Xp11.3.
Variant type: single nucleotide variant.
Coding change: c.1325T>C on transcript NM_006950.3 (MANE Select); coding-DNA position 1325, T replaced by C.
Protein change: p.Leu442Pro; replaces leucine 442 with proline.
Molecular consequence: missense variant.
Genome position (GRCh38, 1-based): chrX:47,574,756, A>G on the plus strand (T>C on the coding strand, the complement: SYN1 is on the minus strand). VCF-style: chrX-47574756-A-G. GRCh37 (hg19) VCF-style: chrX-47434155-A-G.
Other names: p.L442P:CTG>CCG; c.1325T>C, p.Leu442Pro (NM_133499.2); short protein forms L442P.
Identifiers: ClinVar variation 193940 (VCV000193940.20), dbSNP rs375440874, ClinGen allele CA239681.
Genomic context (GRCh38, chrX:47,574,756, plus strand): 5'-GGGGGTCGCTGCTGAGCCGGGGGCCCTGCGGGCTGCTGGGAGGTCTGGCGGCCCAAGGGC[A>G]GGGCCCCTGGGGACGGAGTCTGCGGCAGAGGAATGGAGCAGGAGAGGTTAAAAATAGTTA-3'
Protein context (NP_008881.2, residues 432-452): SHGQTPSPGA[Leu442Pro]PLGRQTSQQP